The following is an entry in ClinVar:

NM_014264.5(PLK4):c.1456A>G (p.Asn486Asp)

Gene: PLK4 (polo like kinase 4; plus strand). Cytogenetic location: 4q28.1.
Variant type: single nucleotide variant.
Coding change: c.1456A>G on transcript NM_014264.5 (MANE Select); coding-DNA position 1456, A replaced by G.
Protein change: p.Asn486Asp; replaces asparagine 486 with aspartic acid.
Molecular consequence: missense variant.
Genome position (GRCh38, 1-based): chr4:127,887,493, A>G. VCF-style: chr4-127887493-A-G. GRCh37 (hg19) VCF-style: chr4-128808648-A-G.
Other names: c.1360A>G, p.Asn454Asp (NM_001190799.2); c.1333A>G, p.Asn445Asp (NM_001190801.2); c.1459A>G, p.Asn487Asp (NM_001441357.1); c.1357A>G, p.Asn453Asp (NM_001441358.1); c.1354A>G, p.Asn452Asp (NM_001441359.1, NM_001441369.1); c.1315A>G, p.Asn439Asp (NM_001441360.1); c.1258A>G, p.Asn420Asp (NM_001441361.1); c.1456A>G, p.Asn486Asp (NM_001441362.1); and 4 more; short protein forms N396D, N486D, N487D, N405D, N439D, N454D, N279D, N420D.
Identifiers: ClinVar variation 4775407 (VCV004775407.1).
Genomic context (GRCh38, chr4:127,887,493, plus strand): 5'-TTTGCAGACCCGACACCTCAGACTGAAACCGTACAACAGTGGTTTGGGAATCTGCAAATA[A>G]ATGGTGAGTTTTTAATGGAGTATTTAATCAAGAATTAATTACTTGGAAACTTACCAAGCA-3'
Protein context (NP_055079.3, residues 476-496): VQQWFGNLQI[Asn486Asp]AHLRKTTEYD

ClinVar aggregate classification (germline): Uncertain significance (1 of 4 stars; one submission).

gnomAD v4.1: 19 of 1,565,114 alleles (0.0012%); highest among the groups gnomAD compares: African/African-American, 0.0027%; no homozygotes.

Submission:

Labcorp Genetics (formerly Invitae), Labcorp
Classification: Uncertain significance. Last evaluated: 2025-11-01. Review status: criteria provided, single submitter. Criteria: Invitae Variant Classification Sherloc (09022015). Collection method: clinical testing. Allele origin: germline.
Comment: This sequence change replaces asparagine, which is neutral and polar, with aspartic acid, which is acidic and polar, at codon 486 of the PLK4 protein (p.Asn486Asp). This variant is present in population databases (rs764160710, gnomAD 0.001%). This variant has not been reported in the literature in individuals affected with PLK4-related conditions. An algorithm developed to predict the effect of missense changes on protein structure and function (PolyPhen-2) suggests that this variant is likely to be tolerated. In summary, the available evidence is currently insufficient to determine the role of this variant in disease. Therefore, it has been classified as a Variant of Uncertain Significance.